The following is an entry in ClinVar:

ClinVar aggregate classification (germline): Pathogenic (1 of 4 stars; one submission).

Submission:

Ambry Genetics
Classification: Pathogenic. Last evaluated: 2026-07-29. Review status: criteria provided, single submitter. Criteria: Ambry Variant Classification Scheme 2023. Collection method: clinical testing. Allele origin: germline.
Comment: The c.1985_1990delTAAGTA pathogenic mutation (also known as p.L662_K664delins*) is located in coding exon 1 of the MLH3 gene. This pathogenic mutation results from a TAAGTA deletion at nucleotide positions 1985 to 1990. This results in the deletion of 3 residues (LSK) and the insertion of a premature stop codon at codons 662 to 664. This variant is considered to be rare based on population cohorts in the Genome Aggregation Database (gnomAD). This variant is expected to result in loss of function by premature protein truncation or nonsense-mediated mRNA decay. As such, this variant is interpreted as a disease-causing mutation.

NM_001040108.2(MLH3):c.1985_1990del (p.Leu662_Lys664delinsTer)

Gene: MLH3 (mutL homolog 3; minus strand). Cytogenetic location: 14q24.3.
Variant type: Deletion.
Coding change: c.1985_1990del on transcript NM_001040108.2 (MANE Select); coding-DNA positions 1985 to 1990, 6 bases deleted (TAAGTA; older notation c.1985_1990delTAAGTA).
Protein change: p.Leu662_Lys664delinsTer.
Molecular consequence: nonsense.
Genome position (GRCh38, 1-based): chr14:75,047,666-75,047,671, TACTTA deleted on the plus strand (TAAGTA on the coding strand, the reverse complement: MLH3 is on the minus strand). VCF-style (leftmost placement, unchanged base first): chr14-75047665-TTACTTA-T. GRCh37 (hg19) VCF-style: chr14-75514368-TTACTTA-T.
Other names: c.1985_1990del, p.Leu662_Lys664delinsTer (NM_014381.3).
Identifiers: ClinVar variation 5024598 (VCV005024598.1).